The following is an entry in ClinVar:

ClinVar aggregate classification (germline): Uncertain significance (0 of 4 stars; one submission).

Conditions:
SON-related disorder. Also called: SON-related condition.

Submission:

PreventionGenetics, part of Exact Sciences
Classification: Uncertain significance for SON-related condition. Last evaluated: 2023-10-20. Review status: no assertion criteria provided. Collection method: clinical testing. Allele origin: germline.
Comment: The SON c.1691C>G variant is predicted to result in the amino acid substitution p.Pro564Arg. To our knowledge, this variant has not been reported in the literature or in a large population database, indicating this variant is rare. At this time, the clinical significance of this variant is uncertain due to the absence of conclusive functional and genetic evidence.

NM_138927.4(SON):c.1691C>G (p.Pro564Arg)

Gene: SON (SON DNA and RNA binding protein; plus strand). Cytogenetic location: 21q22.11.
Variant type: single nucleotide variant.
Coding change: c.1691C>G on transcript NM_138927.4 (MANE Select); coding-DNA position 1691, C replaced by G.
Protein change: p.Pro564Arg; replaces proline 564 with arginine.
Molecular consequence: missense variant. On other transcripts: non-coding transcript variant (1), intron variant (1).
Genome position (GRCh38, 1-based): chr21:33,550,922, C>G. VCF-style: chr21-33550922-C-G. GRCh37 (hg19) VCF-style: chr21-34923228-C-G.
Other names: c.1691C>G, p.Pro564Arg (NM_001291411.2, NM_001412133.1, NM_032195.3 and 2 more transcripts); c.244+4543C>G (NM_001291412.3); short protein forms P564R.
Identifiers: ClinVar variation 3032457 (VCV003032457.2), dbSNP rs763573035, ClinGen allele CA410154823.